The following is an entry in ClinVar:

ClinVar aggregate classification (germline): Pathogenic (1 of 4 stars; one submission).

Submission:

GeneDx
Classification: Pathogenic. Last evaluated: 2017-05-04. Review status: criteria provided, single submitter. Criteria: GeneDx Variant Classification (06012015). Collection method: clinical testing. Allele origin: germline. Affected: yes.
Comment: The c.2746delT variant in the AHDC1 gene has not been reported previously as a pathogenic variant nor as a benign variant, to our knowledge. The c.2746delT variant causes a frameshift starting with codon Serine 916, changes this amino acid to a Proline residue, and creates a premature Stop codon at position 16 of the new reading frame, denoted p.Ser916ProfsX16. This variant is predicted to cause loss of normal protein function through protein truncation. The last 688 amino acids are replaced with 15 incorrect amnio acids. The c.2746delT variant is not observed in large population cohorts (Lek et al., 2016; 1000 Genomes Consortium et al., 2015; Exome Variant Server). We interpret c.2746delT as a pathogenic variant.

NM_001371928.1(AHDC1):c.2746del (p.Ser916fs)

Gene: AHDC1 (AT-hook DNA binding motif containing 1; minus strand). Cytogenetic location: 1p36.11.
Variant type: Deletion.
Coding change: c.2746del on transcript NM_001371928.1 (MANE Select); coding-DNA position 2746, one base deleted (T; older notation c.2746delT).
Protein change: p.Ser916fs; shifts the reading frame from serine 916.
Molecular consequence: frameshift variant.
Genome position (GRCh38, 1-based): chr1:27,549,370, A deleted on the plus strand (T on the coding strand, the reverse complement: AHDC1 is on the minus strand). VCF-style (leftmost placement, unchanged base first): chr1-27549369-GA-G. GRCh37 (hg19) VCF-style: chr1-27875880-GA-G.
Other names: c.2746del, p.Ser916fs (NM_001029882.3); short protein forms S916fs.
Identifiers: ClinVar variation 429248 (VCV000429248.2), dbSNP rs1131691276, ClinGen allele CA645369167.